The following is an entry in ClinVar:

ClinVar aggregate classification (germline): Uncertain significance (1 of 4 stars; one submission).

Conditions:
Long QT syndrome (LQTS). Identifiers: MedGen C0023976, MeSH D008133, MONDO:0002442. Disease mechanism: loss of function. Inheritance: Various modes of inheritance.

Submission:

Labcorp Genetics (formerly Invitae), Labcorp
Classification: Uncertain significance for Long QT syndrome. Last evaluated: 2023-08-16. Review status: criteria provided, single submitter. Criteria: Invitae Variant Classification Sherloc (09022015). Collection method: clinical testing. Allele origin: germline.
Comment: Advanced modeling of protein sequence and biophysical properties (such as structural, functional, and spatial information, amino acid conservation, physicochemical variation, residue mobility, and thermodynamic stability) performed at Invitae indicates that this missense variant is not expected to disrupt KCNJ5 protein function. ClinVar contains an entry for this variant (Variation ID: 2116801). This variant has not been reported in the literature in individuals affected with KCNJ5-related conditions. This variant is not present in population databases (gnomAD no frequency). This sequence change replaces tyrosine, which is neutral and polar, with histidine, which is basic and polar, at codon 344 of the KCNJ5 protein (p.Tyr344His). In summary, the available evidence is currently insufficient to determine the role of this variant in disease. Therefore, it has been classified as a Variant of Uncertain Significance.

NM_000890.5(KCNJ5):c.1030T>C (p.Tyr344His)

Gene: KCNJ5 (potassium inwardly rectifying channel subfamily J member 5; plus strand). Cytogenetic location: 11q24.3.
Variant type: single nucleotide variant.
Coding change: c.1030T>C on transcript NM_000890.5 (MANE Select); coding-DNA position 1030, T replaced by C.
Protein change: p.Tyr344His; replaces tyrosine 344 with histidine.
Molecular consequence: missense variant.
Genome position (GRCh38, 1-based): chr11:128,916,501, T>C. VCF-style: chr11-128916501-T-C. GRCh37 (hg19) VCF-style: chr11-128786396-T-C.
Other names: c.1030T>C, p.Tyr344His (NM_001354169.2); short protein forms Y344H.
Identifiers: ClinVar variation 2116801 (VCV002116801.4), dbSNP rs2497733420, ClinGen allele CA383235639.